The following is an entry in ClinVar:

ClinVar aggregate classification (germline): Uncertain significance. Review status: criteria provided, single submitter (1 of 4 stars). 2 submissions from 2 submitters: Uncertain significance (1). 1 of the submissions does not count toward it. Last evaluated 2021-01-09.

Conditions:
Congenital anomaly of kidney and urinary tract. Also called: Congenital anomalies of the kidney and urinary tract; Congenital anomalies of kidney and urinary tract. Identifiers: Orphanet 93545, MedGen C1968949, MeSH C566906, MONDO:0019719.

Submissions (2):

Institute of Human Genetics, University of Leipzig Medical Center
Classification: Uncertain significance for Congenital anomaly of kidney and urinary tract. Last evaluated: 2021-01-09. Review status: criteria provided, single submitter. Criteria: ACMG Guidelines, 2015. Collection method: curation. Allele origin: germline. Inheritance: Autosomal dominant inheritance. Affected: yes.
Comment: This ROBO2 variant was reported as Likely pathogenicâ€‹ in PMID: 30143558; PMID: 24429398 with original nomenclature reported as c.292G>T p.Gly98Trp; p.G114W (c.340G>T); c.340G>T, p.G114W. Variant was re-classified as Likely Pathogenic based on the criteria PS3_Moderate, PM1_Moderate, PM2_Supporting, PP3_Supporting.

Yale Center for Mendelian Genomics, Yale University
Classification: Likely pathogenic for Congenital anomaly of kidney and urinary tract. Last evaluated: 2018-08-24. Review status: no assertion criteria provided. Collection method: literature only. Allele origin: germline. Affected: yes. Observed: 1 heterozygote. Study: Yale Center for Mendelian Genomics. Not counted in ClinVar's aggregate classification.

Literature cited by the submitters: PubMed 30143558 (cited by Institute of Human Genetics, University of Leipzig Medical Center and Yale Center for Mendelian Genomics, Yale University); PubMed 24429398 (cited by Institute of Human Genetics, University of Leipzig Medical Center).

NM_001395656.1(ROBO2):c.292G>T (p.Gly98Trp)

Gene: ROBO2 (roundabout guidance receptor 2; plus strand). Cytogenetic location: 3p12.3.
Variant type: single nucleotide variant.
Coding change: c.292G>T on transcript NM_001395656.1 (MANE Select); coding-DNA position 292, G replaced by T.
Protein change: p.Gly98Trp; replaces glycine 98 with tryptophan.
Molecular consequence: missense variant. On other transcripts: 5 prime UTR variant (1).
Genome position (GRCh38, 1-based): chr3:77,098,244, G>T. VCF-style: chr3-77098244-G-T. GRCh37 (hg19) VCF-style: chr3-77147395-G-T.
Other names: c.340G>T, p.Gly114Trp (NM_001128929.3, NM_001378190.1, NM_001378191.1 and 5 more transcripts); c.292G>T, p.Gly98Trp (NM_001290039.2, NM_001290040.2, NM_001378193.1 and 3 more transcripts); c.-1627G>T (NM_001290065.2); c.361G>T, p.Gly121Trp (NM_001378192.1, NM_001378194.1, NM_001378198.1 and 5 more transcripts); short protein forms G114W, G121W, G98W.
Identifiers: ClinVar variation 995966 (VCV000995966.3), dbSNP rs2071367863, ClinGen allele CA353574107.